The following is an entry in ClinVar:

ClinVar aggregate classification (germline): Likely benign. Review status: criteria provided, multiple submitters, no conflicts (2 of 4 stars). 2 submissions from 2 submitters: Likely benign (2). Last evaluated 2023-04-01.

Allele frequency attached by ClinVar (database versions not stated): 1000 Genomes Project 0.00040; ESP Exome Variant Server 0.00055; gnomAD 0.00070; 1000 Genomes Project 30x 0.00078.
gnomAD v4.1: 1,110 of 1,555,362 alleles (0.071%); highest among the groups gnomAD compares: Admixed American, 0.14%; 1 homozygote.

Submissions (2):

CeGaT Center for Human Genetics Tuebingen
Classification: Likely benign. Last evaluated: 2023-04-01. Review status: criteria provided, single submitter. Criteria: CeGaT Center For Human Genetics Tuebingen Variant Classification Criteria Version 2. Collection method: clinical testing. Allele origin: germline. Affected: yes. Observed: 1 variant allele.
Comment: ALDH16A1: BP4, BP7

Breakthrough Genomics
Classification: Likely benign. Review status: criteria provided, single submitter. Criteria: ACMG Guidelines, 2015. Collection method: not provided. Allele origin: germline. Inheritance: Unknown mechanism. Affected: yes.

NM_153329.4(ALDH16A1):c.846G>T (p.Thr282=)

Gene: ALDH16A1 (aldehyde dehydrogenase 16 family member A1; plus strand). Cytogenetic location: 19q13.33.
Variant type: single nucleotide variant.
Coding change: c.846G>T on transcript NM_153329.4 (MANE Select); coding-DNA position 846, G replaced by T.
Protein change: p.Thr282=; no amino-acid change (threonine 282 retained).
Molecular consequence: synonymous variant. On other transcripts: intron variant (1).
Genome position (GRCh38, 1-based): chr19:49,461,970, G>T. VCF-style: chr19-49461970-G-T. GRCh37 (hg19) VCF-style: chr19-49965227-G-T.
Other names: c.759+170G>T (NM_001145396.2).
Identifiers: ClinVar variation 2650244 (VCV002650244.25), dbSNP rs202209926, ClinGen allele CA9574123.